The following is an entry in ClinVar:

ClinVar aggregate classification (germline): Likely pathogenic (1 of 4 stars; one submission).

Submission:

GeneDx
Classification: Likely pathogenic. Last evaluated: 2015-11-17. Review status: criteria provided, single submitter. Criteria: GeneDx Variant Classification (06012015). Collection method: clinical testing. Allele origin: germline. Affected: yes.
Comment: The S108I variant in the NR2F1 gene has not been reported previously as a pathogenic variant, nor as a benign variant, to our knowledge. This variant was not observed in approximately 6500 individuals of European and African American ancestry in the NHLBI Exome Sequencing Project, indicating it is not a common benign variant in these populations. The S108I variant is a non-conservative amino acid substitution, which is likely to impact secondary protein structure as these residues differ in polarity, charge, size and/or other properties. This substitution occurs at a position that is conserved across species, and in silico analysis predicts this variant is probably damaging to the protein structure/function. The S108I variant is a strong candidate for a pathogenic variant

NM_005654.6(NR2F1):c.323G>T (p.Ser108Ile)

Genes: NR2F1 (nuclear receptor subfamily 2 group F member 1; plus strand), NR2F1-AS1 (NR2F1 antisense RNA 1; minus strand). Cytogenetic location: 5q15.
Variant type: single nucleotide variant.
Coding change: c.323G>T on transcript NM_005654.6 (MANE Select); coding-DNA position 323, G replaced by T.
Protein change: p.Ser108Ile; replaces serine 108 with isoleucine.
Molecular consequence: missense variant.
Genome position (GRCh38, 1-based): chr5:93,585,346, G>T. VCF-style: chr5-93585346-G-T. GRCh37 (hg19) VCF-style: chr5-92921052-G-T.
Other names: short protein forms S108I.
Identifiers: ClinVar variation 432011 (VCV000432011.2), dbSNP rs1554074682, ClinGen allele CA360526021.